The following is an entry in ClinVar:

NM_145068.4(TRPV3):c.349A>G (p.Arg117Gly)

Gene: TRPV3 (transient receptor potential cation channel subfamily V member 3; minus strand). Cytogenetic location: 17p13.2.
Variant type: single nucleotide variant.
Coding change: c.349A>G on transcript NM_145068.4 (MANE Select); coding-DNA position 349, A replaced by G.
Protein change: p.Arg117Gly; replaces arginine 117 with glycine.
Molecular consequence: missense variant.
Genome position (GRCh38, 1-based): chr17:3,543,591, T>C on the plus strand (A>G on the coding strand, the complement: TRPV3 is on the minus strand). VCF-style: chr17-3543591-T-C. GRCh37 (hg19) VCF-style: chr17-3446885-T-C.
Other names: c.349A>G, p.Arg117Gly (NM_001258205.2); short protein forms R117G.
Identifiers: ClinVar variation 322794 (VCV000322794.18), dbSNP rs322937, ClinGen allele CA8289879.

ClinVar aggregate classification (germline): Benign. Review status: criteria provided, multiple submitters, no conflicts (2 of 4 stars). 7 submissions from 6 submitters: Benign (7). Last evaluated 2026-02-04.

Conditions:
Olmsted syndrome 1. Identifiers: Orphanet 659, MedGen C5542829, MONDO:0100296, OMIM 614594.
Isolated focal non-epidermolytic palmoplantar keratoderma. Also called: Palmoplantar keratoderma, nonepidermolytic, focal 2. Identifiers: Orphanet 448264, MedGen C4225339, MONDO:0014622, OMIM 616400.

Allele frequency attached by ClinVar (database versions not stated): 1000 Genomes Project 30x 0.24329; 1000 Genomes Project 0.25080; TOPMed 0.29798; ESP Exome Variant Server 0.32001; gnomAD 0.32171.
gnomAD v4.1: 607,975 of 1,613,884 alleles (38%); highest among the groups gnomAD compares: Non-Finnish European, 41%; 119,539 homozygotes.

Submissions (7):

Labcorp Genetics (formerly Invitae), Labcorp
Classification: Benign. Last evaluated: 2026-02-04. Review status: criteria provided, single submitter. Criteria: Invitae Variant Classification Sherloc (09022015). Collection method: clinical testing. Allele origin: germline.

Blueprint Genetics
Classification: Benign. Last evaluated: 2024-11-28. Review status: criteria provided, single submitter. Criteria: ACMG Guidelines, 2015. Collection method: clinical testing. Allele origin: germline.

Genome-Nilou Lab
Classification: Benign for Isolated focal non-epidermolytic palmoplantar keratoderma. Last evaluated: 2021-09-10. Review status: criteria provided, single submitter. Criteria: ACMG Guidelines, 2015. Collection method: clinical testing. Allele origin: germline. Affected: no.

Genome-Nilou Lab
Classification: Benign for Olmsted syndrome 1. Last evaluated: 2021-09-10. Review status: criteria provided, single submitter. Criteria: ACMG Guidelines, 2015. Collection method: clinical testing. Allele origin: germline. Affected: no.

GeneDx
Classification: Benign. Last evaluated: 2018-11-12. Review status: criteria provided, single submitter. Criteria: GeneDx Variant Classification Process June 2021. Collection method: clinical testing. Allele origin: germline. Affected: yes.

Illumina Laboratory Services, Illumina
Classification: Benign for Isolated focal non-epidermolytic palmoplantar keratoderma. Last evaluated: 2018-01-12. Review status: criteria provided, single submitter. Criteria: ICSL Variant Classification Criteria 13 December 2019. Collection method: clinical testing. Allele origin: germline.
Comment: This variant was observed in the ICSL laboratory as part of a predisposition screen in an ostensibly healthy population. It had not been previously curated by ICSL or reported in the Human Gene Mutation Database (HGMD: prior to June 1st, 2018), and was therefore a candidate for classification through an automated scoring system. Utilizing variant allele frequency, disease prevalence and penetrance estimates, and inheritance mode, an automated score was calculated to assess if this variant is too frequent to cause the disease. Based on the score and internal cut-off values, a variant classified as benign is not then subjected to further curation. The score for this variant resulted in a classification of benign for this disease.

Breakthrough Genomics
Classification: Benign. Review status: criteria provided, single submitter. Criteria: ACMG Guidelines, 2015. Collection method: not provided. Allele origin: germline. Inheritance: Autosomal dominant inheritance. Affected: yes.